The following is an entry in ClinVar:

ClinVar aggregate classification (germline): Uncertain significance. Review status: criteria provided, multiple submitters, no conflicts (2 of 4 stars). 2 submissions from 2 submitters: Uncertain significance (2). Last evaluated 2025-07-13.

Conditions:
ANXA11-related disorder. Also called: ANXA11-related condition.

Allele frequency attached by ClinVar (database versions not stated): gnomAD exomes 0.00006 and 0.00013; ExAC 0.00007; ESP Exome Variant Server 0.00008; gnomAD 0.00008; TOPMed 0.00010; 1000 Genomes Project 30x 0.00016; 1000 Genomes Project 0.00020.
gnomAD v4.1: 218 of 1,613,880 alleles (0.014%); highest among the groups gnomAD compares: Non-Finnish European, 0.016%; no homozygotes.

Submissions (2):

Labcorp Genetics (formerly Invitae), Labcorp
Classification: Uncertain significance. Last evaluated: 2025-07-13. Review status: criteria provided, single submitter. Criteria: Invitae Variant Classification Sherloc (09022015). Collection method: clinical testing. Allele origin: germline.
Comment: This sequence change replaces arginine, which is basic and polar, with tryptophan, which is neutral and slightly polar, at codon 475 of the ANXA11 protein (p.Arg475Trp). This variant is present in population databases (rs368132715, gnomAD 0.01%). This missense change has been observed in individual(s) with clinical features of ANXA11-related conditions (PMID: 36280108, 38896345). ClinVar contains an entry for this variant (Variation ID: 1352634). An algorithm developed to predict the effect of missense changes on protein structure and function (PolyPhen-2) suggests that this variant is likely to be disruptive. In summary, the available evidence is currently insufficient to determine the role of this variant in disease. Therefore, it has been classified as a Variant of Uncertain Significance.

PreventionGenetics, part of Exact Sciences
Classification: Uncertain significance for ANXA11-related condition. Last evaluated: 2024-10-18. Review status: criteria provided, single submitter. Criteria: ACMG Guidelines, 2015. Collection method: clinical testing. Allele origin: germline.
Comment: The ANXA11 c.1423C>T variant is predicted to result in the amino acid substitution p.Arg475Trp. This variant has been reported in a study of individuals with a definite or probable diagnosis of amyotrophic lateral sclerosis (ALS) (Jiang et al. 2022. PubMed ID: 36280108). This has been reported in an individual with progressive supranuclear palsy, however, it was stated that this variant may not play a significant role in TDP-43 proteinopathy due to the lack of pTDP-43 or annexin A11 aggregates (Robinson et al. 2024. PubMed ID: 38896345). This variant is reported in 0.013% of alleles in individuals of South Asian descent in gnomAD, which may be too common to be a primary cause of disease. Although we suspect that this variant may be benign, at this time, the clinical significance of this variant is uncertain due to the absence of conclusive functional and genetic evidence.

Literature cited by the submitters: PubMed 36280108 (cited by Labcorp Genetics (formerly Invitae), Labcorp); PubMed 38896345 (cited by Labcorp Genetics (formerly Invitae), Labcorp).

NM_145868.2(ANXA11):c.1423C>T (p.Arg475Trp)

Gene: ANXA11 (annexin A11; minus strand). Cytogenetic location: 10q22.3.
Variant type: single nucleotide variant.
Coding change: c.1423C>T on transcript NM_145868.2 (MANE Select); coding-DNA position 1423, C replaced by T.
Protein change: p.Arg475Trp; replaces arginine 475 with tryptophan.
Molecular consequence: missense variant.
Genome position (GRCh38, 1-based): chr10:80,157,676, G>A on the plus strand (C>T on the coding strand, the complement: ANXA11 is on the minus strand). VCF-style: chr10-80157676-G-A. GRCh37 (hg19) VCF-style: chr10-81917432-G-A.
Other names: c.1423C>T, p.Arg475Trp (NM_001157.3, NM_001278407.2, NM_001278408.2 and 1 more transcripts); c.1324C>T, p.Arg442Trp (NM_001278409.2); c.1423C>T (NM_145869.1); short protein forms R442W, R475W.
Identifiers: ClinVar variation 1352634 (VCV001352634.10), dbSNP rs368132715, ClinGen allele CA5575771.